The following is an entry in ClinVar:

ClinVar aggregate classification (germline): Uncertain significance. Review status: criteria provided, multiple submitters, no conflicts (2 of 4 stars). 3 submissions from 3 submitters: Uncertain significance (3). Last evaluated 2026-01-09.

Conditions:
Inborn genetic diseases. Identifiers: MedGen C0950123, MeSH D030342.

Allele frequency attached by ClinVar (database versions not stated): ExAC 0.00002; gnomAD exomes 0.00005; gnomAD 0.00007; ESP Exome Variant Server 0.00008; TOPMed 0.00008.
gnomAD v4.1: 76 of 1,611,624 alleles (0.0047%); highest among the groups gnomAD compares: Middle Eastern, 0.016%; no homozygotes.

Submissions (3):

Labcorp Genetics (formerly Invitae), Labcorp
Classification: Uncertain significance. Last evaluated: 2026-01-09. Review status: criteria provided, single submitter. Criteria: Invitae Variant Classification Sherloc (09022015). Collection method: clinical testing. Allele origin: germline.
Comment: This sequence change replaces glycine, which is neutral and non-polar, with alanine, which is neutral and non-polar, at codon 351 of the EMC1 protein (p.Gly351Ala). This variant is present in population databases (rs370803621, gnomAD 0.009%). This variant has not been reported in the literature in individuals affected with EMC1-related conditions. ClinVar contains an entry for this variant (Variation ID: 1046043). An algorithm developed to predict the effect of missense changes on protein structure and function outputs the following: PolyPhen-2: "Benign". The alanine amino acid residue is found in multiple mammalian species, which suggests that this missense change does not adversely affect protein function. In summary, the available evidence is currently insufficient to determine the role of this variant in disease. Therefore, it has been classified as a Variant of Uncertain Significance.

Ambry Genetics
Classification: Uncertain significance for Inborn genetic diseases. Last evaluated: 2025-11-08. Review status: criteria provided, single submitter. Criteria: Ambry Variant Classification Scheme 2023. Collection method: clinical testing. Allele origin: germline.

Blueprint Genetics
Classification: Uncertain significance. Last evaluated: 2023-05-22. Review status: criteria provided, single submitter. Criteria: ACMG Guidelines, 2015. Collection method: clinical testing. Allele origin: germline.

NM_015047.3(EMC1):c.1052G>C (p.Gly351Ala)

Genes: EMC1 (ER membrane protein complex subunit 1; minus strand), EMC1-AS1 (EMC1 antisense RNA 1; plus strand). Cytogenetic location: 1p36.13.
Variant type: single nucleotide variant.
Coding change: c.1052G>C on transcript NM_015047.3 (MANE Select); coding-DNA position 1052, G replaced by C.
Protein change: p.Gly351Ala; replaces glycine 351 with alanine.
Molecular consequence: missense variant.
Genome position (GRCh38, 1-based): chr1:19,238,832, C>G on the plus strand (G>C on the coding strand, the complement: EMC1 is on the minus strand). VCF-style: chr1-19238832-C-G. GRCh37 (hg19) VCF-style: chr1-19565326-C-G.
Other names: c.1049G>C, p.Gly350Ala (NM_001271427.2, NM_001375821.1); c.1052G>C, p.Gly351Ala (NM_001271428.2, NM_001375820.1); c.986G>C, p.Gly329Ala (NM_001271429.2); c.1052G>C (NM_015047.1); short protein forms G350A, G329A, G351A.
Identifiers: ClinVar variation 1046043 (VCV001046043.12), dbSNP rs370803621, ClinGen allele CA652699.